The following is an entry in ClinVar:

NM_001197104.2(KMT2A):c.4479+17T>C

Gene: KMT2A (lysine methyltransferase 2A; plus strand). Cytogenetic location: 11q23.3.
Variant type: single nucleotide variant.
Coding change: c.4479+17T>C on transcript NM_001197104.2 (MANE Select); 17 bases into the intron after coding-DNA position 4479, T replaced by C.
Molecular consequence: intron variant.
Genome position (GRCh38, 1-based): chr11:118,488,777, T>C. VCF-style: chr11-118488777-T-C. GRCh37 (hg19) VCF-style: chr11-118359492-T-C.
Other names: c.4479+17T>C (NM_005933.4).
Identifiers: ClinVar variation 1247243 (VCV001247243.15), dbSNP rs202184506, ClinGen allele CA6303874.

ClinVar aggregate classification (germline): Benign/Likely benign. Review status: criteria provided, multiple submitters, no conflicts (2 of 4 stars). 4 submissions from 4 submitters: Benign (2); Likely benign (2). Last evaluated 2026-03-01.

Allele frequency attached by ClinVar (database versions not stated): gnomAD exomes 0.00007 and 0.00010; ExAC 0.00011; ESP Exome Variant Server 0.00015; gnomAD 0.00040 and 0.00045; TOPMed 0.00051; 1000 Genomes Project 0.00080; 1000 Genomes Project 30x 0.00125.
gnomAD v4.1: 168 of 1,613,112 alleles (0.01%); highest among the groups gnomAD compares: African/African-American, 0.15%; 1 homozygote.

Submissions (4):

CeGaT Center for Human Genetics Tuebingen
Classification: Likely benign. Last evaluated: 2026-03-01. Review status: criteria provided, single submitter. Criteria: CeGaT Center For Human Genetics Tuebingen Variant Classification Criteria Version 2. Collection method: clinical testing. Allele origin: germline. Affected: yes. Observed: 1 variant allele.
Comment: KMT2A: BS1

Labcorp Genetics (formerly Invitae), Labcorp
Classification: Benign. Last evaluated: 2026-01-22. Review status: criteria provided, single submitter. Criteria: Invitae Variant Classification Sherloc (09022015). Collection method: clinical testing. Allele origin: germline.

Blueprint Genetics
Classification: Likely benign. Last evaluated: 2023-12-01. Review status: criteria provided, single submitter. Criteria: ACMG Guidelines, 2015. Collection method: clinical testing. Allele origin: germline.

GeneDx
Classification: Benign. Last evaluated: 2020-03-25. Review status: criteria provided, single submitter. Criteria: GeneDx Variant Classification Process June 2021. Collection method: clinical testing. Allele origin: germline. Affected: yes.